The following is an entry in ClinVar:

ClinVar aggregate classification (germline): Conflicting classifications of pathogenicity. Review status: criteria provided, conflicting classifications (1 of 4 stars). 5 submissions from 5 submitters: Uncertain significance (1); Likely benign (4). Last evaluated 2026-01-05.

Allele frequency attached by ClinVar (database versions not stated): TOPMed 0.00007; gnomAD exomes 0.00010; gnomAD 0.00011; ExAC 0.00025.
gnomAD v4.1: 155 of 1,533,396 alleles (0.01%); highest among the groups gnomAD compares: Non-Finnish European, 0.012%; no homozygotes.

Submissions (5):

Labcorp Genetics (formerly Invitae), Labcorp
Classification: Likely benign. Last evaluated: 2026-01-05. Review status: criteria provided, single submitter. Criteria: Invitae Variant Classification Sherloc (09022015). Collection method: clinical testing. Allele origin: germline.

Mayo Clinic Laboratories, Mayo Clinic
Classification: Likely benign. Last evaluated: 2025-07-23. Review status: criteria provided, single submitter. Criteria: ACMG Guidelines, 2015. Collection method: clinical testing. Allele origin: germline. Observed: 1 variant allele.
Comment: BS2, BP4, BP7

Laboratory of Genetics, Children's Clinical University Hospital Latvia
Classification: Likely benign. Last evaluated: 2025-02-16. Review status: criteria provided, single submitter. Criteria: ACMG Guidelines, 2015. Collection method: clinical testing. Allele origin: germline. Affected: yes.

Blueprint Genetics
Classification: Likely benign. Last evaluated: 2024-11-20. Review status: criteria provided, single submitter. Criteria: ACMG Guidelines, 2015. Collection method: clinical testing. Allele origin: germline.

CeGaT Center for Human Genetics Tuebingen
Classification: Uncertain significance. Last evaluated: 2019-10-01. Review status: criteria provided, single submitter. Criteria: CeGaT Center For Human Genetics Tuebingen Variant Classification Criteria Version 2. Collection method: clinical testing. Allele origin: germline. Affected: yes. Observed: 1 variant allele.

NM_001080414.4(CCDC88C):c.5331G>C (p.Leu1777=)

Gene: CCDC88C (coiled-coil and HOOK domain protein 88C; minus strand). Cytogenetic location: 14q32.11.
Variant type: single nucleotide variant.
Coding change: c.5331G>C on transcript NM_001080414.4 (MANE Select); coding-DNA position 5331, G replaced by C.
Protein change: p.Leu1777=; no amino-acid change (leucine 1777 retained).
Molecular consequence: synonymous variant.
Genome position (GRCh38, 1-based): chr14:91,273,381, C>G on the plus strand (G>C on the coding strand, the complement: CCDC88C is on the minus strand). VCF-style: chr14-91273381-C-G. GRCh37 (hg19) VCF-style: chr14-91739725-C-G.
Other names: p.Leu1777=.
Identifiers: ClinVar variation 870928 (VCV000870928.48), dbSNP rs759310053, ClinGen allele CA7308674.
Genomic context (GRCh38, chr14:91,273,381, plus strand): 5'-GCGGCTGGCAGGTGCATGGGAAGCTGGGGGCACCGGAGCCTGCCGGGGTCTGCCCAGAGA[C>G]AGGCTCTGGGGAGGCTGGGCCTGTCTCGGGGCCACGCTGGGTGGGGCCTCGGCCTCAGTC-3'
Protein context (NP_001073883.2, residues 1767-1787): APRQAQPPQS[Leu1777=]SLGRPRQAPV